The following is an entry in ClinVar:

NM_006642.5(SDCCAG8):c.1717C>T (p.Gln573Ter)

Gene: SDCCAG8 (SHH signaling and ciliogenesis regulator SDCCAG8; plus strand). Cytogenetic location: 1q43.
Variant type: single nucleotide variant.
Coding change: c.1717C>T on transcript NM_006642.5 (MANE Select); coding-DNA position 1717, C replaced by T.
Protein change: p.Gln573Ter; replaces glutamine 573 with a stop codon.
Molecular consequence: nonsense.
Genome position (GRCh38, 1-based): chr1:243,415,802, C>T. VCF-style: chr1-243415802-C-T. GRCh37 (hg19) VCF-style: chr1-243579104-C-T.
Other names: c.814C>T, p.Gln272Ter (NM_001350246.2, NM_001350247.2, NM_001350251.2); c.1813C>T, p.Gln605Ter (NM_001350248.2); c.1423C>T, p.Gln475Ter (NM_001350249.2); short protein forms Q573*, Q272*, Q475*, Q605*.
Identifiers: ClinVar variation 489261 (VCV000489261.9), dbSNP rs1286714661, ClinGen allele CA345667298.

ClinVar aggregate classification (germline): Pathogenic/Likely pathogenic. Review status: criteria provided, multiple submitters, no conflicts (2 of 4 stars). 4 submissions from 4 submitters: Pathogenic (2); Likely pathogenic (2). Last evaluated 2025-04-22.

Conditions:
SDCCAG8-related disorder. Also called: SDCCAG8-Related Disorders; SDCCAG8-related condition.
Bardet-Biedl syndrome 16 (BBS16). Identifiers: Orphanet 110, MedGen C3889474, MONDO:0014444, OMIM 615993.
Senior-Loken syndrome 7 (SLSN7). Identifiers: Orphanet 3156, MedGen C3150877, MONDO:0013326, OMIM 613615.
Bardet-Biedl syndrome (BBS). Identifiers: Orphanet 110, MedGen C0752166, MONDO:0015229.

Allele frequency attached by ClinVar (database versions not stated): gnomAD 0.00001; TOPMed 0.00002.
gnomAD v4.1: 1 of 1,613,550 alleles (0.000062%); highest among the groups gnomAD compares: African/African-American, 0.0013%; no homozygotes.

Submissions (4):

PreventionGenetics, part of Exact Sciences
Classification: Likely pathogenic for SDCCAG8-related condition. Last evaluated: 2025-04-22. Review status: criteria provided, single submitter. Criteria: ACMG Guidelines, 2015. Collection method: clinical testing. Allele origin: germline.
Comment: The SDCCAG8 c.1717C>T variant is predicted to result in premature protein termination (p.Gln573*). To our knowledge, this variant has not been reported in the literature or in a large population database, indicating this variant is rare. Nonsense variants in SDCCAG8 are expected to be pathogenic. This variant is interpreted as likely pathogenic.

Labcorp Genetics (formerly Invitae), Labcorp
Classification: Pathogenic for Bardet-Biedl syndrome 16; Senior-Loken syndrome 7. Last evaluated: 2025-03-31. Review status: criteria provided, single submitter. Criteria: Invitae Variant Classification Sherloc (09022015). Collection method: clinical testing. Allele origin: germline.
Comment: This sequence change creates a premature translational stop signal (p.Gln573*) in the SDCCAG8 gene. It is expected to result in an absent or disrupted protein product. Loss-of-function variants in SDCCAG8 are known to be pathogenic (PMID: 20835237, 22190896). This variant is not present in population databases (gnomAD no frequency). This variant has not been reported in the literature in individuals affected with SDCCAG8-related conditions. ClinVar contains an entry for this variant (Variation ID: 489261). For these reasons, this variant has been classified as Pathogenic.

Women's Health and Genetics/Laboratory Corporation of America, LabCorp
Classification: Pathogenic for Bardet-Biedl syndrome. Last evaluated: 2024-08-02. Review status: criteria provided, single submitter. Criteria: LabCorp Variant Classification Summary - May 2015. Collection method: clinical testing. Allele origin: germline.
Comment: Variant summary: SDCCAG8 c.1717C>T (p.Gln573X) results in a premature termination codon, predicted to cause a truncation of the encoded protein or absence of the protein due to nonsense mediated decay, which are commonly known mechanisms for disease. The variant was absent in 250630 control chromosomes. To our knowledge, no occurrence of c.1717C>T in individuals affected with Bardet-Biedl Syndrome and no experimental evidence demonstrating its impact on protein function have been reported. ClinVar contains an entry for this variant (Variation ID: 489261). Based on the evidence outlined above, the variant was classified as pathogenic.

GeneDx
Classification: Likely pathogenic. Last evaluated: 2017-12-21. Review status: criteria provided, single submitter. Criteria: GeneDx Variant Classification (06012015). Collection method: clinical testing. Allele origin: germline. Affected: yes.
Comment: The Q573X variant in the SDCCAG8 gene has not been reported previously as a pathogenic variant nor as a benign variant, to our knowledge. This variant is predicted to cause loss of normal protein function either through protein truncation or nonsense-mediated mRNA decay. The Q573X variant is not observed in large population cohorts (Lek et al., 2016). We interpret Q573X as a likely pathogenic variant.

Literature cited by the submitters: PubMed 20835237 (cited by Labcorp Genetics (formerly Invitae), Labcorp); PubMed 22190896 (cited by Labcorp Genetics (formerly Invitae), Labcorp).